The following is an entry in ClinVar:

ClinVar aggregate classification (germline): Uncertain significance (1 of 4 stars; one submission).

Conditions:
Inborn genetic diseases. Identifiers: MedGen C0950123, MeSH D030342.

Submission:

Ambry Genetics
Classification: Uncertain significance for Inborn genetic diseases. Last evaluated: 2022-01-27. Review status: criteria provided, single submitter. Criteria: Ambry Variant Classification Scheme 2023. Collection method: clinical testing. Allele origin: germline.
Comment: The p.V1573I variant (also known as c.4717G>A), located in coding exon 32 of the LRRK2 gene, results from a G to A substitution at nucleotide position 4717. The valine at codon 1573 is replaced by isoleucine, an amino acid with highly similar properties. This amino acid position is conserved. In addition, this alteration is predicted to be tolerated by in silico analysis. Since supporting evidence is limited at this time, the clinical significance of this alteration remains unclear.

NM_198578.4(LRRK2):c.4717G>A (p.Val1573Ile)

Gene: LRRK2 (leucine rich repeat kinase 2; plus strand). Cytogenetic location: 12q12.
Variant type: single nucleotide variant.
Coding change: c.4717G>A on transcript NM_198578.4 (MANE Select); coding-DNA position 4717, G replaced by A.
Protein change: p.Val1573Ile; replaces valine 1573 with isoleucine.
Molecular consequence: missense variant.
Genome position (GRCh38, 1-based): chr12:40,314,152, G>A. VCF-style: chr12-40314152-G-A. GRCh37 (hg19) VCF-style: chr12-40707954-G-A.
Other names: short protein forms V1573I.
Identifiers: ClinVar variation 1742620 (VCV001742620.2), dbSNP rs2499847217, ClinGen allele CA384419119.
Genomic context (GRCh38, chr12:40,314,152, plus strand): 5'-TTATTACAACTAGTGAGAGAAAATCAGCTGCAGTTAGATGAAAATGAGCTTCCTCACGCA[G>A]TTCACTTTCTAAATGAATCAGGTTTGTGTTTTTCGTTCCTTATTTTCAAAGCTCAGCTGT-3'
Protein context (NP_940980.4, residues 1563-1583): QLDENELPHA[Val1573Ile]HFLNESGVLL